The following is an entry in ClinVar:

ClinVar aggregate classification (germline): Benign/Likely benign. Review status: criteria provided, multiple submitters, no conflicts (2 of 4 stars). 5 submissions from 5 submitters: Benign (3); Likely benign (2). Last evaluated 2026-01-04.

Conditions:
Hyperalphalipoproteinemia 1 (HALP1). Also called: CETP-Related Hyperalphalipoproteinemia; CETP DEFICIENCY. Identifiers: MedGen C3149462, OMIM 143470.

Allele frequency attached by ClinVar (database versions not stated): ESP Exome Variant Server 0.00015; gnomAD 0.00019 and 0.00088; TOPMed 0.00026; gnomAD exomes 0.00154 and 0.00270; ExAC 0.00308; 1000 Genomes Project 30x 0.00422; 1000 Genomes Project 0.00479.
gnomAD v4.1: 2,368 of 1,614,038 alleles (0.15%); highest among the groups gnomAD compares: South Asian, 2.1%; 33 homozygotes.

Submissions (5):

Labcorp Genetics (formerly Invitae), Labcorp
Classification: Benign. Last evaluated: 2026-01-04. Review status: criteria provided, single submitter. Criteria: Invitae Variant Classification Sherloc (09022015). Collection method: clinical testing. Allele origin: germline.

Fulgent Genetics
Classification: Likely benign for Hyperalphalipoproteinemia 1. Last evaluated: 2021-10-08. Review status: criteria provided, single submitter. Criteria: ACMG Guidelines, 2015. Collection method: clinical testing. Allele origin: unknown.

GeneDx
Classification: Benign. Last evaluated: 2020-11-11. Review status: criteria provided, single submitter. Criteria: GeneDx Variant Classification Process June 2021. Collection method: clinical testing. Allele origin: germline. Affected: yes.
Comment: This variant is associated with the following publications: (PMID: 27535533, 24497850)

Illumina Laboratory Services, Illumina
Classification: Benign for Hyperalphalipoproteinemia 1. Last evaluated: 2018-01-13. Review status: criteria provided, single submitter. Criteria: ICSL Variant Classification Criteria 13 December 2019. Collection method: clinical testing. Allele origin: germline.
Comment: This variant was observed in the ICSL laboratory as part of a predisposition screen in an ostensibly healthy population. It had not been previously curated by ICSL or reported in the Human Gene Mutation Database (HGMD: prior to June 1st, 2018), and was therefore a candidate for classification through an automated scoring system. Utilizing variant allele frequency, disease prevalence and penetrance estimates, and inheritance mode, an automated score was calculated to assess if this variant is too frequent to cause the disease. Based on the score and internal cut-off values, a variant classified as benign is not then subjected to further curation. The score for this variant resulted in a classification of benign for this disease.

Broad Center for Mendelian Genomics, Broad Institute of MIT and Harvard
Classification: Likely benign for Hyperalphalipoproteinemia 1. Review status: criteria provided, single submitter. Criteria: ACMG Guidelines, 2015. Collection method: research. Allele origin: germline. Affected: yes.
Comment: The heterozygous p.Ser221Arg variant in CETP has been identified in an individual with a lower HDL cholesterol level (PMID: 24497850) and has been identified in >2% of South Asian chromosomes and 5 homozygotes by ExAC. In summary, although additional studies are required to fully establish its clinical significance, this variant meets criteria to be classified as likely benign for a lower HDL cholesterol level.

Literature cited by the submitters: PubMed 24497850 (cited by Broad Center for Mendelian Genomics, Broad Institute of MIT and Harvard).

NM_000078.3(CETP):c.663C>A (p.Ser221Arg)

Gene: CETP (cholesteryl ester transfer protein; plus strand). Cytogenetic location: 16q13.
Variant type: single nucleotide variant.
Coding change: c.663C>A on transcript NM_000078.3 (MANE Select); coding-DNA position 663, C replaced by A.
Protein change: p.Ser221Arg; replaces serine 221 with arginine.
Molecular consequence: missense variant.
Genome position (GRCh38, 1-based): chr16:56,971,996, C>A. VCF-style: chr16-56971996-C-A. GRCh37 (hg19) VCF-style: chr16-57005908-C-A.
Other names: c.663C>A, p.Ser221Arg (NM_001286085.2); short protein forms S221R.
Identifiers: ClinVar variation 319982 (VCV000319982.17), dbSNP rs201438792, ClinGen allele CA8071053.